The following is an entry in ClinVar:

ClinVar aggregate classification (germline): Uncertain significance. Review status: criteria provided, multiple submitters, no conflicts (2 of 4 stars). 3 submissions from 3 submitters: Uncertain significance (3). Last evaluated 2025-07-11.

Conditions:
Intellectual developmental disorder, autosomal dominant 1. Also called: Intellectual disability, autosomal dominant 1; MBD5 Haploinsufficiency. Identifiers: Orphanet 228402, MedGen C1969562, MONDO:0007974, OMIM 156200.

Allele frequency attached by ClinVar (database versions not stated): gnomAD 0.00001; TOPMed below 0.00001.
gnomAD v4.1: 1 of 1,613,846 alleles (0.000062%); highest among the groups gnomAD compares: African/African-American, 0.0013%; no homozygotes.

Submissions (3):

GeneDx
Classification: Uncertain significance. Last evaluated: 2025-07-11. Review status: criteria provided, single submitter. Criteria: GeneDx Variant Classification Process June 2021. Collection method: clinical testing. Allele origin: germline. Affected: yes.
Comment: Not observed at significant frequency in large population cohorts (gnomAD); In silico analysis suggests that this missense variant does not alter protein structure/function; Has not been previously published as pathogenic or benign to our knowledge

Labcorp Genetics (formerly Invitae), Labcorp
Classification: Uncertain significance for Intellectual developmental disorder, autosomal dominant 1. Last evaluated: 2025-04-14. Review status: criteria provided, single submitter. Criteria: Invitae Variant Classification Sherloc (09022015). Collection method: clinical testing. Allele origin: germline.
Comment: This sequence change replaces histidine, which is basic and polar, with arginine, which is basic and polar, at codon 617 of the MBD5 protein (p.His617Arg). This variant is present in population databases (no rsID available, gnomAD 0.01%). This variant has not been reported in the literature in individuals affected with MBD5-related conditions. ClinVar contains an entry for this variant (Variation ID: 1339696). Invitae Evidence Modeling of protein sequence and biophysical properties (such as structural, functional, and spatial information, amino acid conservation, physicochemical variation, residue mobility, and thermodynamic stability) indicates that this missense variant is not expected to disrupt MBD5 protein function with a negative predictive value of 80%. In summary, the available evidence is currently insufficient to determine the role of this variant in disease. Therefore, it has been classified as a Variant of Uncertain Significance.

Women's Health and Genetics/Laboratory Corporation of America, LabCorp
Classification: Uncertain significance. Last evaluated: 2022-01-13. Review status: criteria provided, single submitter. Criteria: LabCorp Variant Classification Summary - May 2015. Collection method: clinical testing. Allele origin: germline.
Comment: Variant summary: MBD5 c.1850A>G (p.His617Arg) results in a non-conservative amino acid change in the encoded protein sequence. Three of five in-silico tools predict a damaging effect of the variant on protein function. The variant allele was found at a frequency of 3.2e-05 in 31400 control chromosomes (gnomAD). The available data on variant occurrences in the general population are insufficient to allow any conclusion about variant significance. To our knowledge, no occurrence of c.1850A>G in individuals affected with MBD5 Associated Neurodevelopmental Disorder and no experimental evidence demonstrating its impact on protein function have been reported. No clinical diagnostic laboratories have submitted clinical-significance assessments for this variant to ClinVar after 2014. Based on the evidence outlined above, the variant was classified as uncertain significance.

NM_001378120.1(MBD5):c.1850A>G (p.His617Arg)

Gene: MBD5 (methyl-CpG binding domain protein 5; plus strand). Cytogenetic location: 2q23.1.
Variant type: single nucleotide variant.
Coding change: c.1850A>G on transcript NM_001378120.1 (MANE Select); coding-DNA position 1850, A replaced by G.
Protein change: p.His617Arg; replaces histidine 617 with arginine.
Molecular consequence: missense variant.
Genome position (GRCh38, 1-based): chr2:148,469,793, A>G. VCF-style: chr2-148469793-A-G. GRCh37 (hg19) VCF-style: chr2-149227362-A-G.
Other names: c.1850A>G, p.His617Arg (NM_018328.5); short protein forms H617R.
Identifiers: ClinVar variation 1339696 (VCV001339696.8), dbSNP rs1370214658, ClinGen allele CA348720575.
Genomic context (GRCh38, chr2:148,469,793, plus strand): 5'-ACAACAGTAGCAGCAGTAGCAATTCTGGAGCTGTTGCCGGCAGTGGCAACACTGAAGGAC[A>G]TAGCACTTTAAACACCATGTTCCCTCCTACTGCCAACATGCTTCTCCCAACAGGTGAAGG-3'
Protein context (NP_001365049.1, residues 607-627): AVAGSGNTEG[His617Arg]STLNTMFPPT